The following is an entry in ClinVar:

NM_000525.4(KCNJ11):c.581GCC[1] (p.Arg195del)

Gene: KCNJ11 (potassium inwardly rectifying channel subfamily J member 11; minus strand). Cytogenetic location: 11p15.1.
Variant type: Microsatellite.
Coding change: c.581GCC[1] on transcript NM_000525.4 (MANE Select); one copy of the 3-base unit GCC starting at c.581; the reference has two copies in a row; one copy, 3 bases deleted.
Protein change: p.Arg195del; deletes arginine 195.
Molecular consequence: inframe deletion.
Genome position (GRCh38, 1-based): chr11:17,387,506-17,387,508, GGC deleted on the plus strand (GCC on the coding strand, the reverse complement: KCNJ11 is on the minus strand); deleting any 3 consecutive bases within chr11:17,387,506-17,387,511 gives the same sequence; the position shown is the placement nearest the transcript's 3' end. VCF-style (leftmost placement, unchanged base first): chr11-17387505-AGGC-A. GRCh37 (hg19) VCF-style: chr11-17409052-AGGC-A.
Other names: c.320GCC[1], p.Arg108del (NM_001166290.2, NM_001377296.1, NM_001377297.1); short protein forms R195del, R108del.
Identifiers: ClinVar variation 284061 (VCV000284061.6), dbSNP rs886042779, ClinGen allele CA10604675.

ClinVar aggregate classification (germline): Uncertain significance. Review status: criteria provided, multiple submitters, no conflicts (2 of 4 stars). 2 submissions from 2 submitters: Uncertain significance (2). Last evaluated 2015-11-13.

Conditions:
Maturity-onset diabetes of the young (MODY). Also called: Maturity onset diabetes mellitus in young. Identifiers: Orphanet 552, MedGen C0342276, MONDO:0018911, HP:0004904.

Submissions (2):

Eurofins Ntd Llc (ga)
Classification: Uncertain significance. Last evaluated: 2015-11-13. Review status: criteria provided, single submitter. Criteria: EGL Classification Definitions 2015. Collection method: clinical testing. Allele origin: germline. Observed: 1 variant allele, 1 heterozygote.

Clinical Genomics, Uppaluri K&H Personalized Medicine Clinic
Classification: Uncertain significance for Maturity-onset diabetes of the young. Review status: criteria provided, single submitter. Criteria: K & H Uppaluri Personalized Medicine Clinic Variant Classification & Assertion Criteria_Updated V.1. Collection method: research. Allele origin: somatic. Inheritance: Autosomal dominant inheritance.
Comment: Mutations in KCNJ11 gene can cause decreased production and secretion of insulin. This can lead to MODY which may be responsive to oral sulfonylureas. It is also associated with Neonatal Diabetes. However, no sufficient evidence is found to ascertain the role of this particular variant (rs886042779) in MODY yet.

Literature cited by the submitters: PubMed 26448950 (cited by Clinical Genomics, Uppaluri K&H Personalized Medicine Clinic); PubMed 15580558 (cited by Clinical Genomics, Uppaluri K&H Personalized Medicine Clinic); PubMed 15718250 (cited by Clinical Genomics, Uppaluri K&H Personalized Medicine Clinic); PubMed 32935446 (cited by Clinical Genomics, Uppaluri K&H Personalized Medicine Clinic); PubMed 22701567 (cited by Clinical Genomics, Uppaluri K&H Personalized Medicine Clinic).